The following is an entry in ClinVar:

ClinVar aggregate classification (germline): Uncertain significance. Review status: criteria provided, multiple submitters, no conflicts (2 of 4 stars). 3 submissions from 3 submitters: Uncertain significance (3). Last evaluated 2026-08-04.

Conditions:
PDE6B-related disorder. Also called: PDE6B-related disease; PDE6B-related condition; PDE6B-related disorders.

Allele frequency attached by ClinVar (database versions not stated): gnomAD exomes 0.00002; TOPMed 0.00003; gnomAD 0.00004; ExAC 0.00005; ESP Exome Variant Server 0.00015.
gnomAD v4.1: 31 of 1,612,954 alleles (0.0019%); highest among the groups gnomAD compares: East Asian, 0.0067%; no homozygotes.

Submissions (3):

PreventionGenetics, part of Exact Sciences
Classification: Uncertain significance for PDE6B-related condition. Last evaluated: 2026-08-04. Review status: criteria provided, single submitter. Criteria: ACMG Guidelines, 2015. Collection method: clinical testing. Allele origin: germline.
Comment: The PDE6B c.2527G>A variant is predicted to result in the amino acid substitution p.Gly843Ser. To our knowledge, this variant has not been reported in the literature. This variant is reported in 0.022% of alleles in individuals of East Asian descent in gnomAD. At this time, the clinical significance of this variant is uncertain due to the absence of conclusive functional and genetic evidence.

Labcorp Genetics (formerly Invitae), Labcorp
Classification: Uncertain significance. Last evaluated: 2025-05-30. Review status: criteria provided, single submitter. Criteria: Invitae Variant Classification Sherloc (09022015). Collection method: clinical testing. Allele origin: germline.
Comment: This sequence change replaces glycine, which is neutral and non-polar, with serine, which is neutral and polar, at codon 843 of the PDE6B protein (p.Gly843Ser). This variant is present in population databases (rs367709559, gnomAD 0.02%). This variant has not been reported in the literature in individuals affected with PDE6B-related conditions. ClinVar contains an entry for this variant (Variation ID: 1513180). Invitae Evidence Modeling of protein sequence and biophysical properties (such as structural, functional, and spatial information, amino acid conservation, physicochemical variation, residue mobility, and thermodynamic stability) has been performed for this missense variant. However, the output from this modeling did not meet the statistical confidence thresholds required to predict the impact of this variant on PDE6B protein function. In summary, the available evidence is currently insufficient to determine the role of this variant in disease. Therefore, it has been classified as a Variant of Uncertain Significance.

Blueprint Genetics
Classification: Uncertain significance. Last evaluated: 2024-11-07. Review status: criteria provided, single submitter. Criteria: ACMG Guidelines, 2015. Collection method: clinical testing. Allele origin: germline.

NM_000283.4(PDE6B):c.2527G>A (p.Gly843Ser)

Gene: PDE6B (phosphodiesterase 6B; plus strand). Cytogenetic location: 4p16.3.
Variant type: single nucleotide variant.
Coding change: c.2527G>A on transcript NM_000283.4 (MANE Select); coding-DNA position 2527, G replaced by A.
Protein change: p.Gly843Ser; replaces glycine 843 with serine.
Molecular consequence: missense variant.
Genome position (GRCh38, 1-based): chr4:670,069, G>A. VCF-style: chr4-670069-G-A. GRCh37 (hg19) VCF-style: chr4-663858-G-A.
Other names: c.2527G>A (NM_000283.3); c.2524G>A, p.Gly842Ser (NM_001145291.2); c.1690G>A, p.Gly564Ser (NM_001145292.2, NM_001379246.1, NM_001379247.1); c.1625G>A, p.Arg542Gln (NM_001350154.3); c.1307G>A, p.Arg436Gln (NM_001350155.3); short protein forms G843S, G564S, G842S, R436Q, R542Q.
Identifiers: ClinVar variation 1513180 (VCV001513180.8), dbSNP rs367709559, ClinGen allele CA2795107.